The following is an entry in ClinVar:

NM_002474.3(MYH11):c.291C>G (p.Asn97Lys)

Gene: MYH11 (myosin heavy chain 11; minus strand). Cytogenetic location: 16p13.11.
Variant type: single nucleotide variant.
Coding change: c.291C>G on transcript NM_002474.3 (MANE Select); coding-DNA position 291, C replaced by G.
Protein change: p.Asn97Lys; replaces asparagine 97 with lysine.
Molecular consequence: missense variant.
Genome position (GRCh38, 1-based): chr16:15,837,962, G>C on the plus strand (C>G on the coding strand, the complement: MYH11 is on the minus strand). VCF-style: chr16-15837962-G-C. GRCh37 (hg19) VCF-style: chr16-15931819-G-C.
Other names: p.N97K:AAC>AAG; c.291C>G, p.Asn97Lys (NM_001040113.2, NM_001040114.2, NM_022844.3); short protein forms N97K.
Identifiers: ClinVar variation 201096 (VCV000201096.10), dbSNP rs113363750, ClinGen allele CA306631.

ClinVar aggregate classification (germline): Uncertain significance. Review status: criteria provided, multiple submitters, no conflicts (2 of 4 stars). 3 submissions from 3 submitters: Uncertain significance (3). Last evaluated 2025-04-11.

Conditions:
Aortic aneurysm, familial thoracic 4 (AAT4). Also called: AORTIC ANEURYSM/AORTIC DISSECTION AND PATENT DUCTUS ARTERIOSUS. Identifiers: MedGen C1851504, MONDO:0007568, OMIM 132900.

Submissions (3):

Labcorp Genetics (formerly Invitae), Labcorp
Classification: Uncertain significance for Aortic aneurysm, familial thoracic 4. Last evaluated: 2025-04-11. Review status: criteria provided, single submitter. Criteria: Invitae Variant Classification Sherloc (09022015). Collection method: clinical testing. Allele origin: germline.
Comment: This sequence change replaces asparagine, which is neutral and polar, with lysine, which is basic and polar, at codon 97 of the MYH11 protein (p.Asn97Lys). This variant is present in population databases (rs113363750, gnomAD 0.0009%). This variant has not been reported in the literature in individuals affected with MYH11-related conditions. ClinVar contains an entry for this variant (Variation ID: 201096). Invitae Evidence Modeling of protein sequence and biophysical properties (such as structural, functional, and spatial information, amino acid conservation, physicochemical variation, residue mobility, and thermodynamic stability) has been performed for this missense variant. However, the output from this modeling did not meet the statistical confidence thresholds required to predict the impact of this variant on MYH11 protein function. In summary, the available evidence is currently insufficient to determine the role of this variant in disease. Therefore, it has been classified as a Variant of Uncertain Significance.

Women's Health and Genetics/Laboratory Corporation of America, LabCorp
Classification: Uncertain significance. Last evaluated: 2024-09-14. Review status: criteria provided, single submitter. Criteria: LabCorp Variant Classification Summary - May 2015. Collection method: clinical testing. Allele origin: germline.

GeneDx
Classification: Uncertain significance. Last evaluated: 2014-06-12. Review status: criteria provided, single submitter. Criteria: GeneDx Variant Classification (06012015). Collection method: clinical testing. Allele origin: germline. Affected: yes.
Comment: p.Asn97Lys (N97K) AAC>AAG: c.291 C>G in exon 2 of the MYH11 gene (NM_002474.2). The N97K variant in the MYH11 gene has not been reported as a disease-causing mutation or as a benign polymorphism to our knowledge. The N97K variant is a semi-conservative amino acid substitution as these residues share similar properties, but differ in size, charge, or other properties which may impact secondary structure. The Asparagine97 residue is conserved across species. In silico analysis predicts N97K is damaging to the protein structure/function. The N97K variant was not observed in approximately 6,500 individuals of European and African American ancestry in the NHLBI Exome Sequencing Project, indicating it is not a common benign variant in these populations. However, no mutations in nearby residues have been reported in association with TAAD, suggesting this region of the protein may be tolerant to change. Therefore, based on the currently available information, it is unclear whether these variants are pathogenic mutations or rare benign variants. The variant is found in TAAD panel(s).